The following is an entry in ClinVar:

ClinVar aggregate classification (germline): Uncertain significance (1 of 4 stars; one submission).

Allele frequency attached by ClinVar (database versions not stated): gnomAD exomes below 0.00001; ExAC 0.00001; gnomAD 0.00001.
gnomAD v4.1: 1 of 1,613,150 alleles (0.000062%); highest among the groups gnomAD compares: Non-Finnish European, 0.000085%; no homozygotes.

Submission:

Labcorp Genetics (formerly Invitae), Labcorp
Classification: Uncertain significance. Last evaluated: 2024-10-28. Review status: criteria provided, single submitter. Criteria: Invitae Variant Classification Sherloc (09022015). Collection method: clinical testing. Allele origin: germline.
Comment: This sequence change replaces aspartic acid, which is acidic and polar, with asparagine, which is neutral and polar, at codon 364 of the EMC1 protein (p.Asp364Asn). This variant is present in population databases (rs773174389, gnomAD 0.0009%). This variant has not been reported in the literature in individuals affected with EMC1-related conditions. ClinVar contains an entry for this variant (Variation ID: 1424415). An algorithm developed to predict the effect of missense changes on protein structure and function outputs the following: PolyPhen-2: "Benign". The asparagine amino acid residue is found in multiple mammalian species, which suggests that this missense change does not adversely affect protein function. In summary, the available evidence is currently insufficient to determine the role of this variant in disease. Therefore, it has been classified as a Variant of Uncertain Significance.

NM_015047.3(EMC1):c.1090G>A (p.Asp364Asn)

Genes: EMC1 (ER membrane protein complex subunit 1; minus strand), EMC1-AS1 (EMC1 antisense RNA 1; plus strand). Cytogenetic location: 1p36.13.
Variant type: single nucleotide variant.
Coding change: c.1090G>A on transcript NM_015047.3 (MANE Select); coding-DNA position 1090, G replaced by A.
Protein change: p.Asp364Asn; replaces aspartic acid 364 with asparagine.
Molecular consequence: missense variant.
Genome position (GRCh38, 1-based): chr1:19,238,139, C>T on the plus strand (G>A on the coding strand, the complement: EMC1 is on the minus strand). VCF-style: chr1-19238139-C-T. GRCh37 (hg19) VCF-style: chr1-19564633-C-T.
Other names: c.1087G>A, p.Asp363Asn (NM_001271427.2, NM_001375821.1); c.1090G>A, p.Asp364Asn (NM_001271428.2, NM_001375820.1); c.1024G>A, p.Asp342Asn (NM_001271429.2); short protein forms D342N, D364N, D363N.
Identifiers: ClinVar variation 1424415 (VCV001424415.6), dbSNP rs773174389, ClinGen allele CA652666.